The following is an entry in ClinVar:

ClinVar aggregate classification (germline): Likely benign. Review status: criteria provided, multiple submitters, no conflicts (2 of 4 stars). 4 submissions from 4 submitters: Likely benign (3). 1 of the submissions does not count toward it. Last evaluated 2025-05-16.

Conditions:
Autosomal recessive polycystic kidney disease (ARPKD). Also called: AR polycystic kidney disease. Identifiers: Orphanet 731, Orphanet 8378, MedGen C0085548, MeSH D017044, MONDO:0009889.
PKHD1-related disorder. Also called: PKHD1-related condition.
Inborn genetic diseases. Identifiers: MedGen C0950123, MeSH D030342.

Allele frequency attached by ClinVar (database versions not stated): gnomAD 0.00006 and 0.00007; TOPMed 0.00011; ExAC 0.00024; gnomAD exomes 0.00029.
gnomAD v4.1: 105 of 1,613,924 alleles (0.0065%); highest among the groups gnomAD compares: East Asian, 0.23%; 1 homozygote.

Submissions (4):

Ambry Genetics
Classification: Likely benign for Inborn genetic diseases. Last evaluated: 2025-05-16. Review status: criteria provided, single submitter. Criteria: Ambry Variant Classification Scheme 2023. Collection method: clinical testing. Allele origin: germline.

Labcorp Genetics (formerly Invitae), Labcorp
Classification: Likely benign for Autosomal recessive polycystic kidney disease. Last evaluated: 2025-03-30. Review status: criteria provided, single submitter. Criteria: Invitae Variant Classification Sherloc (09022015). Collection method: clinical testing. Allele origin: germline.

PreventionGenetics, part of Exact Sciences
Classification: Likely benign for PKHD1-related condition. Last evaluated: 2025-01-15. Review status: criteria provided, single submitter. Criteria: ACMG Guidelines, 2015. Collection method: clinical testing. Allele origin: germline.
Comment: This variant is classified as likely benign based on ACMG/AMP sequence variant interpretation guidelines (Richards et al. 2015 PMID: 25741868, with internal and published modifications).

Natera, Inc.
Classification: Likely benign for Autosomal recessive polycystic kidney disease. Last evaluated: 2018-09-02. Review status: no assertion criteria provided. Collection method: clinical testing. Allele origin: germline. Not counted in ClinVar's aggregate classification.

NM_138694.4(PKHD1):c.3860T>G (p.Val1287Gly)

Gene: PKHD1 (PKHD1 ciliary IPT domain containing fibrocystin/polyductin; minus strand). Cytogenetic location: 6p12.2.
Variant type: single nucleotide variant.
Coding change: c.3860T>G on transcript NM_138694.4 (MANE Select); coding-DNA position 3860, T replaced by G.
Protein change: p.Val1287Gly; replaces valine 1287 with glycine.
Molecular consequence: missense variant.
Genome position (GRCh38, 1-based): chr6:52,025,950, A>C on the plus strand (T>G on the coding strand, the complement: PKHD1 is on the minus strand). VCF-style: chr6-52025950-A-C. GRCh37 (hg19) VCF-style: chr6-51890748-A-C.
Other names: c.3860T>G, p.Val1287Gly (NM_170724.3); short protein forms V1287G.
Identifiers: ClinVar variation 701247 (VCV000701247.18), dbSNP rs767229742, ClinGen allele CA3852822.